The following is an entry in ClinVar:

ClinVar aggregate classification (germline): Likely benign. Review status: criteria provided, multiple submitters, no conflicts (2 of 4 stars). 2 submissions from 2 submitters: Likely benign (2). Last evaluated 2024-03-29.

Conditions:
Renal carnitine transport defect (CDSP). Also called: Systemic primary carnitine deficiency; Carnitine Deficiency, Systemic; Primary carnitine deficiency; Systemic primary carnitine deficiency disease; CARNITINE DEFICIENCY, SYSTEMIC, DUE TO DEFECT IN RENAL REABSORPTION OF CARNITINE; CARNITINE TRANSPORTER, PLASMA-MEMBRANE, DEFICIENCY OF. Identifiers: Orphanet 158, MedGen C0342788, MONDO:0008919, OMIM 212140.

Allele frequency attached by ClinVar (database versions not stated): TOPMed 0.00001.
gnomAD v4.1: 1 of 1,614,036 alleles (0.000062%); highest among the groups gnomAD compares: African/African-American, 0.0013%; no homozygotes.

Submissions (2):

Labcorp Genetics (formerly Invitae), Labcorp
Classification: Likely benign for Renal carnitine transport defect. Last evaluated: 2024-03-29. Review status: criteria provided, single submitter. Criteria: Invitae Variant Classification Sherloc (09022015). Collection method: clinical testing. Allele origin: germline.

GeneDx
Classification: Likely benign. Last evaluated: 2018-01-22. Review status: criteria provided, single submitter. Criteria: GeneDx Variant Classification (06012015). Collection method: clinical testing. Allele origin: germline. Affected: yes.
Comment: This variant is considered likely benign or benign based on one or more of the following criteria: it is a conservative change, it occurs at a poorly conserved position in the protein, it is predicted to be benign by multiple in silico algorithms, and/or has population frequency not consistent with disease.

NM_003060.4(SLC22A5):c.1080G>T (p.Gly360=)

Gene: SLC22A5 (solute carrier family 22 member 5; plus strand). Cytogenetic location: 5q31.1.
Variant type: single nucleotide variant.
Coding change: c.1080G>T on transcript NM_003060.4 (MANE Select); coding-DNA position 1080, G replaced by T.
Protein change: p.Gly360=; no amino-acid change (glycine 360 retained).
Molecular consequence: synonymous variant.
Genome position (GRCh38, 1-based): chr5:132,390,717, G>T. VCF-style: chr5-132390717-G-T. GRCh37 (hg19) VCF-style: chr5-131726409-G-T.
Other names: c.1152G>T, p.Gly384= (NM_001308122.2).
Identifiers: ClinVar variation 515112 (VCV000515112.8), dbSNP rs139508856, ClinGen allele CA446337562.
Genomic context (GRCh38, chr5:132,390,717, plus strand): 5'-GCTTTTCCAGCTTTCTTCTGCACTCTGTTTCAGGATGACCATATCAGTGGGCTATTTTGG[G>T]CTTTCGCTTGATACTCCTAACTTGCATGGGGACATCTTTGTGAACTGCTTCCTTTCAGCG-3'
Protein context (NP_003051.1, residues 350-370): LWMTISVGYF[Gly360=]LSLDTPNLHG